The following is an entry in ClinVar:

NM_000719.7(CACNA1C):c.6397G>T (p.Val2133Phe)

Gene: CACNA1C (calcium voltage-gated channel subunit alpha1 C; plus strand). Cytogenetic location: 12p13.33.
Variant type: single nucleotide variant.
Coding change: c.6397G>T on transcript NM_000719.7 (MANE Select); coding-DNA position 6397, G replaced by T.
Protein change: p.Val2133Phe; replaces valine 2133 with phenylalanine.
Molecular consequence: missense variant.
Genome position (GRCh38, 1-based): chr12:2,691,179, G>T. VCF-style: chr12-2691179-G-T. GRCh37 (hg19) VCF-style: chr12-2800345-G-T.
Other names: c.6541G>T, p.Val2181Phe (NM_001129827.2); c.6520G>T, p.Val2174Phe (NM_001129829.2); c.6502G>T, p.Val2168Phe (NM_001129830.3, NM_001167624.3); c.6481G>T, p.Val2161Phe (NM_001129831.2); c.6457G>T, p.Val2153Phe (NM_001129832.2); c.6454G>T, p.Val2152Phe (NM_001129833.2, NM_001129834.2, NM_001129835.2); c.6448G>T, p.Val2150Phe (NM_001129836.2); c.6421G>T, p.Val2141Phe (NM_001129837.2, NM_001129838.2); and 6 more; short protein forms V2141F, V2150F, V2152F, V2153F, V2161F, V2193F, V2122F, V2168F.
Identifiers: ClinVar variation 1488090 (VCV001488090.8), dbSNP rs2097784466, ClinGen allele CA383387913.

ClinVar aggregate classification (germline): Uncertain significance (1 of 4 stars; one submission).

Conditions:
Long QT syndrome (LQTS). Identifiers: MedGen C0023976, MeSH D008133, MONDO:0002442. Disease mechanism: loss of function. Inheritance: Various modes of inheritance.

Allele frequency attached by ClinVar (database versions not stated): TOPMed below 0.00001.
gnomAD v4.1: 1 of 1,581,990 alleles (0.000063%); highest among the groups gnomAD compares: Non-Finnish European, 0.000086%; no homozygotes.

Submission:

Labcorp Genetics (formerly Invitae), Labcorp
Classification: Uncertain significance for Long QT syndrome. Last evaluated: 2021-07-01. Review status: criteria provided, single submitter. Criteria: Invitae Variant Classification Sherloc (09022015). Collection method: clinical testing. Allele origin: germline.
Comment: In summary, the available evidence is currently insufficient to determine the role of this variant in disease. Therefore, it has been classified as a Variant of Uncertain Significance. Algorithms developed to predict the effect of sequence changes on RNA splicing suggest that this variant may create or strengthen a splice site. Algorithms developed to predict the effect of missense changes on protein structure and function (SIFT, PolyPhen-2, Align-GVGD) all suggest that this variant is likely to be tolerated. This variant has not been reported in the literature in individuals affected with CACNA1C-related conditions. This variant is not present in population databases (ExAC no frequency). This sequence change replaces valine with phenylalanine at codon 2133 of the CACNA1C protein (p.Val2133Phe). The valine residue is weakly conserved and there is a small physicochemical difference between valine and phenylalanine.